The following is an entry in ClinVar:

ClinVar aggregate classification (germline): Uncertain significance. Review status: criteria provided, multiple submitters, no conflicts (2 of 4 stars). 2 submissions from 2 submitters: Uncertain significance (2). Last evaluated 2025-04-11.

Conditions:
Inborn genetic diseases. Identifiers: MedGen C0950123, MeSH D030342.
Intellectual developmental disorder, autosomal dominant 1. Also called: Intellectual disability, autosomal dominant 1; MBD5 Haploinsufficiency. Identifiers: Orphanet 228402, MedGen C1969562, MONDO:0007974, OMIM 156200.

Allele frequency attached by ClinVar (database versions not stated): gnomAD exomes below 0.00001.
gnomAD v4.1: 1 of 1,614,112 alleles (0.000062%); highest among the groups gnomAD compares: Non-Finnish European, 0.000085%; no homozygotes.

Submissions (2):

Labcorp Genetics (formerly Invitae), Labcorp
Classification: Uncertain significance for Intellectual developmental disorder, autosomal dominant 1. Last evaluated: 2025-04-11. Review status: criteria provided, single submitter. Criteria: Invitae Variant Classification Sherloc (09022015). Collection method: clinical testing. Allele origin: germline.
Comment: This sequence change replaces isoleucine, which is neutral and non-polar, with leucine, which is neutral and non-polar, at codon 1259 of the MBD5 protein (p.Ile1259Leu). This variant is not present in population databases (gnomAD no frequency). This variant has not been reported in the literature in individuals affected with MBD5-related conditions. ClinVar contains an entry for this variant (Variation ID: 589356). Experimental studies and prediction algorithms are not available or were not evaluated, and the functional significance of this variant is currently unknown. In summary, the available evidence is currently insufficient to determine the role of this variant in disease. Therefore, it has been classified as a Variant of Uncertain Significance.

Ambry Genetics
Classification: Uncertain significance for Inborn genetic diseases. Last evaluated: 2023-11-07. Review status: criteria provided, single submitter. Criteria: Ambry Variant Classification Scheme 2023. Collection method: clinical testing. Allele origin: germline.

NM_001378120.1(MBD5):c.4474A>C (p.Ile1492Leu)

Gene: MBD5 (methyl-CpG binding domain protein 5; plus strand). Cytogenetic location: 2q23.1.
Variant type: single nucleotide variant.
Coding change: c.4474A>C on transcript NM_001378120.1 (MANE Select); coding-DNA position 4474, A replaced by C.
Protein change: p.Ile1492Leu; replaces isoleucine 1492 with leucine.
Molecular consequence: missense variant.
Genome position (GRCh38, 1-based): chr2:148,490,106, A>C. VCF-style: chr2-148490106-A-C. GRCh37 (hg19) VCF-style: chr2-149247675-A-C.
Other names: c.3775A>C, p.Ile1259Leu (NM_018328.5); short protein forms I1259L, I1492L.
Identifiers: ClinVar variation 589356 (VCV000589356.10), dbSNP rs370231736, ClinGen allele CA57597080.